The following is an entry in ClinVar:

NM_022124.6(CDH23):c.8781C>A (p.Tyr2927Ter)

Gene: CDH23 (cadherin related 23; plus strand). Cytogenetic location: 10q22.1.
Variant type: single nucleotide variant.
Coding change: c.8781C>A on transcript NM_022124.6 (MANE Select); coding-DNA position 8781, C replaced by A.
Protein change: p.Tyr2927Ter; replaces tyrosine 2927 with a stop codon.
Molecular consequence: nonsense.
Genome position (GRCh38, 1-based): chr10:71,809,878, C>A. VCF-style: chr10-71809878-C-A. GRCh37 (hg19) VCF-style: chr10-73569635-C-A.
Other names: c.2061C>A, p.Tyr687Ter (NM_001171933.1, NM_001171934.1); short protein forms Y2927*, Y687*.
Identifiers: ClinVar variation 46053 (VCV000046053.7), dbSNP rs397517362, ClinGen allele CA261805.

ClinVar aggregate classification (germline): Pathogenic. Review status: criteria provided, multiple submitters, no conflicts (2 of 4 stars). 2 submissions from 2 submitters: Pathogenic (2). Last evaluated 2022-12-30.

Conditions:
Rare genetic deafness. Identifiers: Orphanet 96210, MedGen C5680250.

Submissions (2):

Labcorp Genetics (formerly Invitae), Labcorp
Classification: Pathogenic. Last evaluated: 2022-12-30. Review status: criteria provided, single submitter. Criteria: Invitae Variant Classification Sherloc (09022015). Collection method: clinical testing. Allele origin: germline.
Comment: This sequence change creates a premature translational stop signal (p.Tyr2927*) in the CDH23 gene. It is expected to result in an absent or disrupted protein product. Loss-of-function variants in CDH23 are known to be pathogenic (PMID: 11138009, 21940737). This variant is not present in population databases (gnomAD no frequency). This variant has not been reported in the literature in individuals affected with CDH23-related conditions. ClinVar contains an entry for this variant (Variation ID: 46053). For these reasons, this variant has been classified as Pathogenic.

Laboratory for Molecular Medicine, Mass General Brigham Personalized Medicine
Classification: Pathogenic for Rare genetic deafness. Last evaluated: 2012-06-26. Review status: criteria provided, single submitter. Criteria: LMM Criteria. Collection method: clinical testing. Allele origin: germline. Inheritance: Autosomal recessive inheritance. Observed: 2 variant alleles.
Comment: The Tyr2927X variant in CDH23 has not been reported in the literature nor previo usly identified by our laboratory. This nonsense variant leads to a premature te rmination codon at position 2927, which is predicted to lead to a truncated or a bsent protein. In summary, this variant meets our criteria to be classified as p athogenic.

Literature cited by the submitters: PubMed 11138009 (cited by Labcorp Genetics (formerly Invitae), Labcorp); PubMed 21940737 (cited by Labcorp Genetics (formerly Invitae), Labcorp).